The following is an entry in ClinVar:

NM_001135649.3(FOXI3):c.355_363del (p.Ser119_Ala121del)

Gene: FOXI3 (forkhead box I3; minus strand). Cytogenetic location: 2p11.2.
Variant type: Deletion.
Coding change: c.355_363del on transcript NM_001135649.3 (MANE Select); coding-DNA positions 355 to 363, 9 bases deleted (TCGCCCGCC; older notation c.355_363delTCGCCCGCC).
Protein change: p.Ser119_Ala121del.
Molecular consequence: inframe deletion.
Genome position (GRCh38, 1-based): chr2:88,452,173-88,452,181, GGCGGGCGA deleted on the plus strand (TCGCCCGCC on the coding strand, the reverse complement: FOXI3 is on the minus strand); deleting any 9 consecutive bases within chr2:88,452,173-88,452,189 gives the same sequence; the c. name uses the placement nearest the transcript's 3' end. VCF-style (leftmost placement, unchanged base first): chr2-88452172-CGGCGGGCGA-C. GRCh37 (hg19) VCF-style: chr2-88751691-CGGCGGGCGA-C.
Identifiers: ClinVar variation 1467204 (VCV001467204.8), dbSNP rs753921599, ClinGen allele CA1754049.

ClinVar aggregate classification (germline): Uncertain significance (1 of 4 stars; one submission).

Submission:

Labcorp Genetics (formerly Invitae), Labcorp
Classification: Uncertain significance. Last evaluated: 2025-06-12. Review status: criteria provided, single submitter. Criteria: Invitae Variant Classification Sherloc (09022015). Collection method: clinical testing. Allele origin: germline.
Comment: This variant, c.355_363del, results in the deletion of 3 amino acid(s) of the FOXI3 protein (p.Ser119_Ala121del), but otherwise preserves the integrity of the reading frame. The frequency data for this variant in the population databases is considered unreliable, as metrics indicate poor data quality at this position in the gnomAD database. This variant has not been reported in the literature in individuals affected with FOXI3-related conditions. ClinVar contains an entry for this variant (Variation ID: 1467204). Experimental studies and prediction algorithms are not available or were not evaluated, and the functional significance of this variant is currently unknown. In summary, the available evidence is currently insufficient to determine the role of this variant in disease. Therefore, it has been classified as a Variant of Uncertain Significance.